The following is an entry in ClinVar:

ClinVar aggregate classification (germline): Uncertain significance. Review status: criteria provided, multiple submitters, no conflicts (2 of 4 stars). 2 submissions from 2 submitters: Uncertain significance (2). Last evaluated 2024-09-08.

Conditions:
Hereditary cancer-predisposing syndrome. Also called: Neoplastic Syndromes, Hereditary; Tumor predisposition; Hereditary Cancer Syndrome; Hereditary neoplastic syndrome. Identifiers: Orphanet 140162, MedGen C0027672, MeSH D009386, MONDO:0015356.
Rhabdoid tumor predisposition syndrome 2 (RTPS2). Identifiers: Orphanet 231108, Orphanet 69077, MedGen C2750074, MONDO:0013224, OMIM 613325.

Allele frequency attached by ClinVar (database versions not stated): TOPMed below 0.00001.
gnomAD v4.1: 1 of 1,611,856 alleles (0.000062%); no homozygotes.

Submissions (2):

Labcorp Genetics (formerly Invitae), Labcorp
Classification: Uncertain significance for Rhabdoid tumor predisposition syndrome 2. Last evaluated: 2024-09-08. Review status: criteria provided, single submitter. Criteria: Invitae Variant Classification Sherloc (09022015). Collection method: clinical testing. Allele origin: germline.
Comment: This sequence change replaces glycine, which is neutral and non-polar, with valine, which is neutral and non-polar, at codon 267 of the SMARCA4 protein (p.Gly267Val). This variant is not present in population databases (gnomAD no frequency). This missense change has been observed in individual(s) with Rhabdoid tumor predisposition syndrome (PMID: 28454995). ClinVar contains an entry for this variant (Variation ID: 1761639). Invitae Evidence Modeling of protein sequence and biophysical properties (such as structural, functional, and spatial information, amino acid conservation, physicochemical variation, residue mobility, and thermodynamic stability) has been performed for this missense variant. However, the output from this modeling did not meet the statistical confidence thresholds required to predict the impact of this variant on SMARCA4 protein function. In summary, the available evidence is currently insufficient to determine the role of this variant in disease. Therefore, it has been classified as a Variant of Uncertain Significance.

Ambry Genetics
Classification: Uncertain significance for Hereditary cancer-predisposing syndrome. Last evaluated: 2021-05-31. Review status: criteria provided, single submitter. Criteria: Ambry Variant Classification Scheme 2023. Collection method: clinical testing. Allele origin: germline.
Comment: The p.G267V variant (also known as c.800G>T), located in coding exon 4 of the SMARCA4 gene, results from a G to T substitution at nucleotide position 800. The glycine at codon 267 is replaced by valine, an amino acid with dissimilar properties. Missense and in-frame variants in SMARCA4 are known to cause neurodevelopmental disorders; however, such associations with rhabdoid tumor predisposition syndrome including small cell carcinoma of the ovary-hypercalcemic type (SCCOHT) are exceedingly rare (Kosho T et al. Am J Med Genet C Semin Med Genet. 2014 Sep;166C(3):262-75; Jelinic P et al. Nat Genet. 2014 May;46(5):424-6). This amino acid position is highly conserved in available vertebrate species. In addition, this alteration is predicted to be deleterious by in silico analysis. Since supporting evidence is limited at this time, the clinical significance of this alteration remains unclear.

Literature cited by the submitters: PubMed 28454995 (cited by Labcorp Genetics (formerly Invitae), Labcorp).

NM_003072.5(SMARCA4):c.800G>T (p.Gly267Val)

Gene: SMARCA4 (SWI/SNF related BAF chromatin remodeling complex subunit ATPase 4; plus strand). Cytogenetic location: 19p13.2.
Variant type: single nucleotide variant.
Coding change: c.800G>T on transcript NM_003072.5 (MANE Select); coding-DNA position 800, G replaced by T.
Protein change: p.Gly267Val; replaces glycine 267 with valine.
Molecular consequence: missense variant. On other transcripts: non-coding transcript variant (1).
Genome position (GRCh38, 1-based): chr19:10,986,944, G>T. VCF-style: chr19-10986944-G-T. GRCh37 (hg19) VCF-style: chr19-11097620-G-T.
Other names: c.800G>T, p.Gly267Val (NM_001128844.3, NM_001128845.2, NM_001128846.2 and 6 more transcripts); short protein forms G267V.
Identifiers: ClinVar variation 1761639 (VCV001761639.5), dbSNP rs746986969, ClinGen allele CA404057971.